The following is an entry in ClinVar:

NM_018418.5(SPATA7):c.10A>C (p.Ser4Arg)

Genes: SPATA7 (spermatogenesis associated 7; plus strand), LOC130056226 (ATAC-STARR-seq lymphoblastoid active region 8840; plus strand). Cytogenetic location: 14q31.3.
Variant type: single nucleotide variant.
Coding change: c.10A>C on transcript NM_018418.5 (MANE Select); coding-DNA position 10, A replaced by C.
Protein change: p.Ser4Arg; replaces serine 4 with arginine.
Molecular consequence: missense variant.
Genome position (GRCh38, 1-based): chr14:88,385,828, A>C. VCF-style: chr14-88385828-A-C. GRCh37 (hg19) VCF-style: chr14-88852172-A-C.
Other names: c.10A>C, p.Ser4Arg (NM_001040428.4); short protein forms S4R.
Identifiers: ClinVar variation 1058010 (VCV001058010.9), dbSNP rs2139846013, ClinGen allele CA390543409.

ClinVar aggregate classification (germline): Uncertain significance (1 of 4 stars; one submission).

Conditions:
Leber congenital amaurosis 3 (LCA3). Also called: SPATA7-Related Retinitis Pigmentosa. Identifiers: MedGen C1858677, MONDO:0011415, OMIM 604232.

Submission:

Labcorp Genetics (formerly Invitae), Labcorp
Classification: Uncertain significance for Leber congenital amaurosis 3. Last evaluated: 2020-09-05. Review status: criteria provided, single submitter. Criteria: Invitae Variant Classification Sherloc (09022015). Collection method: clinical testing. Allele origin: germline.
Comment: This variant is not present in population databases (ExAC no frequency). This sequence change replaces serine with arginine at codon 4 of the SPATA7 protein (p.Ser4Arg). The serine residue is moderately conserved and there is a moderate physicochemical difference between serine and arginine. In summary, the available evidence is currently insufficient to determine the role of this variant in disease. Therefore, it has been classified as a Variant of Uncertain Significance. Algorithms developed to predict the effect of missense changes on protein structure and function are either unavailable or do not agree on the potential impact of this missense change (SIFT: "Deleterious"; PolyPhen-2: "Possibly Damaging"; Align-GVGD: "Class C0"). This variant has not been reported in the literature in individuals with SPATA7-related conditions.